The following is an entry in ClinVar:

ClinVar aggregate classification (germline): Likely benign. Review status: criteria provided, single submitter (1 of 4 stars). 2 submissions from 2 submitters: Likely benign (1). 1 of the submissions does not count toward it. Last evaluated 2025-01-06.

Conditions:
P3H2-related disorder. Also called: P3H2-related condition.

Allele frequency attached by ClinVar (database versions not stated): gnomAD exomes 0.00001 and 0.00002; ExAC 0.00003; TOPMed 0.00009; gnomAD 0.00011 and 0.00012.
gnomAD v4.1: 28 of 1,602,474 alleles (0.0017%); highest among the groups gnomAD compares: African/African-American, 0.036%; no homozygotes.

Submissions (2):

Labcorp Genetics (formerly Invitae), Labcorp
Classification: Likely benign. Last evaluated: 2025-01-06. Review status: criteria provided, single submitter. Criteria: Invitae Variant Classification Sherloc (09022015). Collection method: clinical testing. Allele origin: germline.

PreventionGenetics, part of Exact Sciences
Classification: Likely benign for P3H2-related condition. Last evaluated: 2019-08-15. Review status: no assertion criteria provided. Collection method: clinical testing. Allele origin: germline. Not counted in ClinVar's aggregate classification.
Comment: This variant is classified as likely benign based on ACMG/AMP sequence variant interpretation guidelines (Richards et al. 2015 PMID: 25741868, with internal and published modifications).

NM_018192.4(P3H2):c.823+7G>A

Gene: P3H2 (prolyl 3-hydroxylase 2; minus strand). Cytogenetic location: 3q28.
Variant type: single nucleotide variant.
Coding change: c.823+7G>A on transcript NM_018192.4 (MANE Select); 7 bases into the intron after coding-DNA position 823, G replaced by A.
Molecular consequence: intron variant.
Genome position (GRCh38, 1-based): chr3:189,994,087, C>T on the plus strand (G>A on the coding strand, the complement: P3H2 is on the minus strand). VCF-style: chr3-189994087-C-T. GRCh37 (hg19) VCF-style: chr3-189711876-C-T.
Other names: c.823+7G>A (NM_018192.3); c.280+7G>A (NM_001134418.2).
Identifiers: ClinVar variation 1589769 (VCV001589769.11), dbSNP rs781081037, ClinGen allele CA2753214.
Genomic context (GRCh38, chr3:189,994,087, plus strand): 5'-TTTTTACAAATTGCAAGTAGTATTTTTATAATCAAGAAAGAAATAAAATGAAAAATTAAG[C>T]TTTTACCTGCAATAGCTTCATACAGACCAGCCTTATACCCTAAATACTCATATTCTTCAA-3'